The following is an entry in ClinVar:

NM_002454.3(MTRR):c.1049_1052del (p.Lys350fs)

Gene: MTRR (5-methyltetrahydrofolate-homocysteine methyltransferase reductase; plus strand). Cytogenetic location: 5p15.31.
Variant type: Deletion.
Coding change: c.1049_1052del on transcript NM_002454.3 (MANE Select); coding-DNA positions 1049 to 1052, 4 bases deleted (AGAA; older notation c.1049_1052delAGAA).
Protein change: p.Lys350fs; shifts the reading frame from lysine 350.
Molecular consequence: frameshift variant. On other transcripts: non-coding transcript variant (14).
Genome position (GRCh38, 1-based): chr5:7,885,846-7,885,849, AGAA deleted; deleting any 4 consecutive bases within chr5:7,885,844-7,885,849 gives the same sequence; the c. name uses the placement nearest the transcript's 3' end. VCF-style (leftmost placement, unchanged base first): chr5-7885843-CAAAG-C. GRCh37 (hg19) VCF-style: chr5-7885956-CAAAG-C.
Other names: c.1049_1052del, p.Lys350fs (NM_001364440.2, NM_001364441.2, NM_001364442.2 and 1 more transcripts); short protein forms K350fs.
Identifiers: ClinVar variation 1454375 (VCV001454375.6), dbSNP rs2126745648, ClinGen allele CA2573139609.

ClinVar aggregate classification (germline): Pathogenic (1 of 4 stars; one submission).

Conditions:
Methylcobalamin deficiency type cblE (HMAE). Also called: HOMOCYSTINURIA-MEGALOBLASTIC ANEMIA, cblE COMPLEMENTATION TYPE; VITAMIN B12-RESPONSIVE HOMOCYSTINURIA, cblE TYPE; HOMOCYSTINURIA-MEGALOBLASTIC ANEMIA, cblE TYPE. Identifiers: Orphanet 2169, Orphanet 622, MedGen C1856057, MONDO:0009354, OMIM 236270.

Submission:

Labcorp Genetics (formerly Invitae), Labcorp
Classification: Pathogenic for Methylcobalamin deficiency type cblE. Last evaluated: 2022-09-12. Review status: criteria provided, single submitter. Criteria: Invitae Variant Classification Sherloc (09022015). Collection method: clinical testing. Allele origin: germline.
Comment: This variant has not been reported in the literature in individuals affected with MTRR-related conditions. For these reasons, this variant has been classified as Pathogenic. ClinVar contains an entry for this variant (Variation ID: 1454375). This variant is not present in population databases (gnomAD no frequency). This sequence change creates a premature translational stop signal (p.Lys350Argfs*191) in the MTRR gene. It is expected to result in an absent or disrupted protein product. Loss-of-function variants in MTRR are known to be pathogenic (PMID: 15714522).

Literature cited by the submitters: PubMed 15714522.